The following is an entry in ClinVar:

NM_170601.5(SIAE):c.1078A>G (p.Met360Val)

Gene: SIAE (sialic acid acetylesterase; minus strand). Cytogenetic location: 11q24.2.
Variant type: single nucleotide variant.
Coding change: c.1078A>G on transcript NM_170601.5 (MANE Select); coding-DNA position 1078, A replaced by G.
Protein change: p.Met360Val; replaces methionine 360 with valine.
Molecular consequence: missense variant.
Genome position (GRCh38, 1-based): chr11:124,639,756, T>C on the plus strand (A>G on the coding strand, the complement: SIAE is on the minus strand). VCF-style: chr11-124639756-T-C. GRCh37 (hg19) VCF-style: chr11-124509652-T-C.
Other names: c.973A>G, p.Met325Val (NM_001199922.2); short protein forms M325V, M360V.
Identifiers: ClinVar variation 2794371 (VCV002794371.3), dbSNP rs940569554, ClinGen allele CA230385631.

ClinVar aggregate classification (germline): Uncertain significance (1 of 4 stars; one submission).

Submission:

Labcorp Genetics (formerly Invitae), Labcorp
Classification: Uncertain significance. Last evaluated: 2023-01-15. Review status: criteria provided, single submitter. Criteria: Invitae Variant Classification Sherloc (09022015). Collection method: clinical testing. Allele origin: germline.
Comment: This sequence change replaces methionine, which is neutral and non-polar, with valine, which is neutral and non-polar, at codon 360 of the SIAE protein (p.Met360Val). This variant is not present in population databases (gnomAD no frequency). Algorithms developed to predict the effect of missense changes on protein structure and function are either unavailable or do not agree on the potential impact of this missense change (SIFT: "Deleterious"; PolyPhen-2: "Probably Damaging"; Align-GVGD: "Class C15"). This variant has not been reported in the literature in individuals affected with SIAE-related conditions. In summary, the available evidence is currently insufficient to determine the role of this variant in disease. Therefore, it has been classified as a Variant of Uncertain Significance.